The following is an entry in ClinVar:

ClinVar aggregate classification (germline): Pathogenic/Likely pathogenic. Review status: criteria provided, multiple submitters, no conflicts (2 of 4 stars). 5 submissions from 5 submitters: Pathogenic (4); Likely pathogenic (1). Last evaluated 2025-06-22.

Conditions:
Familial hypobetalipoproteinemia 1. Also called: APOB-Related Familial Hypobetalipoproteinemia; Hypobetalipoproteinemia, normotriglyceridemic; Acanthocytosis with hypobetalipoproteinemia. Identifiers: MedGen C4551990, MONDO:0014252, OMIM 615558.
Hypercholesterolemia, autosomal dominant, type B (FHCL2). Also called: APOB-Related Familial Hypercholesterolemia, Autosomal Dominant; Familial Hypercholesterolemia Type B; APOLIPOPROTEIN B-100, FAMILIAL DEFECTIVE; APOLIPOPROTEIN B-100, FAMILIAL LIGAND-DEFECTIVE; Hyperlipoproteinemia Type IIb; Familial hypercholesterolemia 2. Identifiers: MedGen C1704417, MONDO:0007751, OMIM 144010.

Allele frequency attached by ClinVar (database versions not stated): gnomAD exomes 0.00002; gnomAD 0.00001.
gnomAD v4.1: 25 of 1,614,026 alleles (0.0015%); highest among the groups gnomAD compares: Non-Finnish European, 0.0021%; no homozygotes.

Submissions (5):

Labcorp Genetics (formerly Invitae), Labcorp
Classification: Pathogenic for Familial hypobetalipoproteinemia 1; Hypercholesterolemia, autosomal dominant, type B. Last evaluated: 2025-06-22. Review status: criteria provided, single submitter. Criteria: Invitae Variant Classification Sherloc (09022015). Collection method: clinical testing. Allele origin: germline.
Comment: This sequence change creates a premature translational stop signal (p.Glu137*) in the APOB gene. It is expected to result in an absent or disrupted protein product. Loss-of-function variants in APOB are known to be pathogenic (PMID: 20032471). This variant is not present in population databases (gnomAD no frequency). This premature translational stop signal has been observed in individual(s) with familial hypobetalipoproteinemia (PMID: 34340953). ClinVar contains an entry for this variant (Variation ID: 404400). Algorithms developed to predict the effect of sequence changes on RNA splicing suggest that this variant may disrupt the consensus splice site. For these reasons, this variant has been classified as Pathogenic.

North West Genomic Laboratory Hub, Manchester University NHS Foundation Trust
Classification: Pathogenic for Hypercholesterolemia, autosomal dominant, type B; Familial hypobetalipoproteinemia 1. Last evaluated: 2021-11-02. Review status: criteria provided, single submitter. Criteria: ACMG Guidelines, 2015. Collection method: clinical testing. Allele origin: germline. Affected: yes.
Comment: Criteria Codes: PVS1 PM2

GeneDx
Classification: Pathogenic. Last evaluated: 2020-07-29. Review status: criteria provided, single submitter. Criteria: GeneDx Variant Classification Process June 2021. Collection method: clinical testing. Allele origin: germline. Affected: yes.
Comment: Has not been previously published as pathogenic or benign to our knowledge; Not observed at a significant frequency in large population cohorts (Lek et al., 2016); Nonsense variant predicted to result in protein truncation or nonsense mediated decay in a gene for which loss-of-function is a known mechanism of disease; This variant is associated with the following publications: (PMID: 32719484)

Broad Center for Mendelian Genomics, Broad Institute of MIT and Harvard
Classification: Likely pathogenic for Familial hypobetalipoproteinemia 1. Last evaluated: 2020-01-22. Review status: criteria provided, single submitter. Criteria: ACMG Guidelines, 2015. Collection method: curation. Allele origin: germline. Inheritance: Autosomal recessive inheritance.
Comment: The p.Glu137Ter variant in APOB has not been previously reported in individuals with low LDL, but has been identified in 0.006483% (1/15424) of European (non-Finnish) chromosomes by the Genome Aggregation Database (gnomAD; dbSNP rs766243954). This variant has also been reported in ClinVar (VariationID: 404400) as pathogenic by Invitae and Fulgent Genetics. This nonsense variant leads to a premature termination codon at position 137, which is predicted to lead to a truncated or absent protein. Heterozygous loss of function of the APOB gene is an established disease mechanism in low LDL. In summary, while there is some suspicion for a pathogenic role, the clinical significance of the p.Glu137Ter variant is uncertain. ACMG/AMP Criteria applied: PVS1, PM2 (Richards 2015).

Fulgent Genetics
Classification: Pathogenic for Hypercholesterolemia, autosomal dominant, type B; Familial hypobetalipoproteinemia 1. Last evaluated: 2018-10-31. Review status: criteria provided, single submitter. Criteria: ACMG Guidelines, 2015. Collection method: clinical testing. Allele origin: unknown.

Literature cited by the submitters: PubMed 20032471 (cited by Labcorp Genetics (formerly Invitae), Labcorp); PubMed 34340953 (cited by Labcorp Genetics (formerly Invitae), Labcorp).

NM_000384.3(APOB):c.409G>T (p.Glu137Ter)

Gene: APOB (apolipoprotein B; minus strand). Cytogenetic location: 2p24.1.
Variant type: single nucleotide variant.
Coding change: c.409G>T on transcript NM_000384.3 (MANE Select); coding-DNA position 409, G replaced by T.
Protein change: p.Glu137Ter; replaces glutamic acid 137 with a stop codon.
Molecular consequence: nonsense.
Genome position (GRCh38, 1-based): chr2:21,038,086, C>A on the plus strand (G>T on the coding strand, the complement: APOB is on the minus strand). VCF-style: chr2-21038086-C-A. GRCh37 (hg19) VCF-style: chr2-21260958-C-A.
Other names: short protein forms E137*.
Identifiers: ClinVar variation 404400 (VCV000404400.18), dbSNP rs766243954, ClinGen allele CA16610575.